The following is an entry in ClinVar:

NM_004360.5(CDH1):c.1159A>T (p.Asn387Tyr)

Gene: CDH1 (cadherin 1; plus strand). Cytogenetic location: 16q22.1.
Variant type: single nucleotide variant.
Coding change: c.1159A>T on transcript NM_004360.5 (MANE Select); coding-DNA position 1159, A replaced by T.
Protein change: p.Asn387Tyr; replaces asparagine 387 with tyrosine.
Molecular consequence: missense variant. On other transcripts: 5 prime UTR variant (2), intron variant (1).
Genome position (GRCh38, 1-based): chr16:68,813,334, A>T. VCF-style: chr16-68813334-A-T. GRCh37 (hg19) VCF-style: chr16-68847237-A-T.
Other names: c.-457A>T (NM_001317185.2); c.-661A>T (NM_001317186.2); c.1137+1071A>T (NM_001317184.2); short protein forms N387Y.
Identifiers: ClinVar variation 1718737 (VCV001718737.6), dbSNP rs2152133335, ClinGen allele CA396461091.

ClinVar aggregate classification (germline): Uncertain significance (1 of 4 stars; one submission).

Conditions:
Hereditary diffuse gastric adenocarcinoma (HDGC). Also called: DIFFUSE GASTRIC AND LOBULAR BREAST CANCER SYNDROME. Identifiers: Orphanet 26106, MedGen C1708349, MONDO:0007648, OMIM 137215.

Submission:

Labcorp Genetics (formerly Invitae), Labcorp
Classification: Uncertain significance for Hereditary diffuse gastric adenocarcinoma. Last evaluated: 2022-09-03. Review status: criteria provided, single submitter. Criteria: Invitae Variant Classification Sherloc (09022015). Collection method: clinical testing. Allele origin: germline.
Comment: Algorithms developed to predict the effect of missense changes on protein structure and function (SIFT, PolyPhen-2, Align-GVGD) all suggest that this variant is likely to be disruptive. This sequence change replaces asparagine, which is neutral and polar, with tyrosine, which is neutral and polar, at codon 387 of the CDH1 protein (p.Asn387Tyr). This variant is not present in population databases (gnomAD no frequency). This variant has not been reported in the literature in individuals affected with CDH1-related conditions. In summary, the available evidence is currently insufficient to determine the role of this variant in disease. Therefore, it has been classified as a Variant of Uncertain Significance.